The following is an entry in ClinVar:

NM_006516.4(SLC2A1):c.851T>C (p.Leu284Pro)

Gene: SLC2A1 (solute carrier family 2 member 1; minus strand). Cytogenetic location: 1p34.2.
Variant type: single nucleotide variant.
Coding change: c.851T>C on transcript NM_006516.4 (MANE Select); coding-DNA position 851, T replaced by C.
Protein change: p.Leu284Pro; replaces leucine 284 with proline.
Molecular consequence: missense variant.
Genome position (GRCh38, 1-based): chr1:42,929,609, A>G on the plus strand (T>C on the coding strand, the complement: SLC2A1 is on the minus strand). VCF-style: chr1-42929609-A-G. GRCh37 (hg19) VCF-style: chr1-43395280-A-G.
Other names: short protein forms L284P.
Identifiers: ClinVar variation 1184481 (VCV001184481.4), dbSNP rs2124448826, ClinGen allele CA339957204.

ClinVar aggregate classification (germline): Likely pathogenic. Review status: criteria provided, single submitter (1 of 4 stars). 2 submissions from 2 submitters: Likely pathogenic (1). 1 of the submissions does not count toward it. Last evaluated 2024-11-25.

Conditions:
Childhood onset GLUT1 deficiency syndrome 2. Also called: Exertion-induced paroxysmal dyskinesia; Paroxysmal exercise-induced dystonia; GLUT1 deficiency syndrome 2; PxMD-SLC2A1; PAROXYSMAL EXERCISE-INDUCED DYSKINESIA WITH OR WITHOUT EPILEPSY AND/OR HEMOLYTIC ANEMIA; PAROXYSMAL EXERTION-INDUCED DYSTONIA WITH OR WITHOUT EPILEPSY AND/OR HEMOLYTIC ANEMIA. Identifiers: Orphanet 98811, MedGen C1842534, MONDO:0012805, OMIM 612126.

Submissions (2):

Dasa
Classification: Likely pathogenic. Last evaluated: 2024-11-25. Review status: criteria provided, single submitter. Criteria: DASA Assertion Criteria. Collection method: clinical testing. Allele origin: germline.
Comment: NM_006516.4(SLC2A1):c.851T>C (p.Leu284Pro) is a missense variant that results in the substitution of leucine with proline. This variant has been reported in individuals with SLC2A1-related disorders. Also, this variant is absent from population databases. Computational evidence supports a deleterious effect. Based on the currently available evidence, this variant is classified as likely pathogenic.

Genomics England Pilot Project, Genomics England
Classification: Likely pathogenic for Childhood onset GLUT1 deficiency syndrome 2. Review status: no assertion criteria provided. Criteria: ACGS Guidelines, 2016. Collection method: clinical testing. Allele origin: germline. Affected: yes. Not counted in ClinVar's aggregate classification.